The following is an entry in ClinVar:

NM_001036.6(RYR3):c.7152G>C (p.Leu2384Phe)

Gene: RYR3 (ryanodine receptor 3; plus strand). Cytogenetic location: 15q14.
Variant type: single nucleotide variant.
Coding change: c.7152G>C on transcript NM_001036.6 (MANE Select); coding-DNA position 7152, G replaced by C.
Protein change: p.Leu2384Phe; replaces leucine 2384 with phenylalanine.
Molecular consequence: missense variant.
Genome position (GRCh38, 1-based): chr15:33,728,975, G>C. VCF-style: chr15-33728975-G-C. GRCh37 (hg19) VCF-style: chr15-34021176-G-C.
Other names: c.7152G>C, p.Leu2384Phe (NM_001243996.4); short protein forms L2384F.
Identifiers: ClinVar variation 964312 (VCV000964312.9), dbSNP rs1427581990, ClinGen allele CA391578580.

ClinVar aggregate classification (germline): Uncertain significance (1 of 4 stars; one submission).

Conditions:
Epileptic encephalopathy. Identifiers: MedGen C0543888, HP:0200134.

Submission:

Labcorp Genetics (formerly Invitae), Labcorp
Classification: Uncertain significance for Epileptic encephalopathy. Last evaluated: 2022-03-19. Review status: criteria provided, single submitter. Criteria: Invitae Variant Classification Sherloc (09022015). Collection method: clinical testing. Allele origin: germline.
Comment: ClinVar contains an entry for this variant (Variation ID: 964312). In summary, the available evidence is currently insufficient to determine the role of this variant in disease. Therefore, it has been classified as a Variant of Uncertain Significance. Algorithms developed to predict the effect of missense changes on protein structure and function are either unavailable or do not agree on the potential impact of this missense change (SIFT: "Deleterious"; PolyPhen-2: "Probably Damaging"; Align-GVGD: "Class C0"). This variant has not been reported in the literature in individuals affected with RYR3-related conditions. This variant is not present in population databases (gnomAD no frequency). This sequence change replaces leucine, which is neutral and non-polar, with phenylalanine, which is neutral and non-polar, at codon 2384 of the RYR3 protein (p.Leu2384Phe).